The following is an entry in ClinVar:

NM_018444.4(PDP1):c.87C>T (p.His29=)

Gene: PDP1 (pyruvate dehydrogenase phosphatase catalytic subunit 1; plus strand). Cytogenetic location: 8q22.1.
Variant type: single nucleotide variant.
Coding change: c.87C>T on transcript NM_018444.4 (MANE Select); coding-DNA position 87, C replaced by T.
Protein change: p.His29=; no amino-acid change (histidine 29 retained).
Molecular consequence: synonymous variant.
Genome position (GRCh38, 1-based): chr8:93,922,146, C>T. VCF-style: chr8-93922146-C-T. GRCh37 (hg19) VCF-style: chr8-94934374-C-T.
Other names: c.162C>T, p.His54= (NM_001161779.2, NM_001161780.2); c.87C>T, p.His29= (NM_001161781.2).
Identifiers: ClinVar variation 511583 (VCV000511583.8), dbSNP rs758947272, ClinGen allele CA4808648.

ClinVar aggregate classification (germline): Likely benign. Review status: criteria provided, multiple submitters, no conflicts (2 of 4 stars). 2 submissions from 2 submitters: Likely benign (2). Last evaluated 2023-02-01.

Allele frequency attached by ClinVar (database versions not stated): gnomAD 0.00001; ExAC 0.00002; gnomAD exomes 0.00001 and 0.00003; TOPMed 0.00001.
gnomAD v4.1: 21 of 1,614,052 alleles (0.0013%); highest among the groups gnomAD compares: Non-Finnish European, 0.0017%; no homozygotes.

Submissions (2):

Labcorp Genetics (formerly Invitae), Labcorp
Classification: Likely benign. Last evaluated: 2023-02-01. Review status: criteria provided, single submitter. Criteria: Invitae Variant Classification Sherloc (09022015). Collection method: clinical testing. Allele origin: germline.

GeneDx
Classification: Likely benign. Last evaluated: 2017-09-02. Review status: criteria provided, single submitter. Criteria: GeneDx Variant Classification (06012015). Collection method: clinical testing. Allele origin: germline. Affected: yes.
Comment: This variant is considered likely benign or benign based on one or more of the following criteria: it is a conservative change, it occurs at a poorly conserved position in the protein, it is predicted to be benign by multiple in silico algorithms, and/or has population frequency not consistent with disease.